The following is an entry in ClinVar:

NM_001378454.1(ALMS1):c.5853_5854del (p.Gln1952fs)

Gene: ALMS1 (ALMS1 centrosome and basal body associated protein; plus strand). Cytogenetic location: 2p13.1.
Variant type: Microsatellite.
Coding change: c.5853_5854del on transcript NM_001378454.1 (MANE Select); coding-DNA positions 5853 to 5854, 2 bases deleted (TC; older notation c.5853_5854delTC).
Protein change: p.Gln1952fs; shifts the reading frame from glutamine 1952.
Molecular consequence: frameshift variant.
Genome position (GRCh38, 1-based): chr2:73,452,380-73,452,381, TC deleted; deleting any 2 consecutive bases within chr2:73,452,376-73,452,381 gives the same sequence; the c. name uses the placement nearest the transcript's 3' end. VCF-style (leftmost placement, unchanged base first): chr2-73452375-ATC-A. GRCh37 (hg19) VCF-style: chr2-73679502-ATC-A.
Other names: c.5856_5857del, p.Gln1953fs (NM_015120.4); short protein forms Q1953fs, Q1952fs.
Identifiers: ClinVar variation 1455031 (VCV001455031.6), dbSNP rs2103787916, ClinGen allele CA2580611660.

ClinVar aggregate classification (germline): Pathogenic (1 of 4 stars; one submission).

Conditions:
Alstrom syndrome (ALMS). Identifiers: Orphanet 64, MedGen C0268425, MONDO:0008763, OMIM 203800.

Submission:

Labcorp Genetics (formerly Invitae), Labcorp
Classification: Pathogenic for Alstrom syndrome. Last evaluated: 2021-10-02. Review status: criteria provided, single submitter. Criteria: Invitae Variant Classification Sherloc (09022015). Collection method: clinical testing. Allele origin: germline.
Comment: For these reasons, this variant has been classified as Pathogenic. This variant has not been reported in the literature in individuals affected with ALMS1-related conditions. This variant is not present in population databases (ExAC no frequency). This sequence change creates a premature translational stop signal (p.Gln1953Thrfs*34) in the ALMS1 gene. It is expected to result in an absent or disrupted protein product. Loss-of-function variants in ALMS1 are known to be pathogenic (PMID: 17594715).

Literature cited by the submitters: PubMed 17594715.